The following is an entry in ClinVar:

ClinVar aggregate classification (germline): Pathogenic (1 of 4 stars; one submission).

Conditions:
Hereditary diffuse gastric adenocarcinoma (HDGC). Also called: DIFFUSE GASTRIC AND LOBULAR BREAST CANCER SYNDROME. Identifiers: Orphanet 26106, MedGen C1708349, MONDO:0007648, OMIM 137215.

Submission:

Myriad Genetics, Inc.
Classification: Pathogenic for Hereditary diffuse gastric adenocarcinoma. Last evaluated: 2023-06-12. Review status: criteria provided, single submitter. Criteria: Myriad Autosomal Dominant, Autosomal Recessive and X-Linked Classification Criteria (2023). Collection method: clinical testing. Allele origin: unknown.
Comment: This variant is considered pathogenic. This variant creates a frameshift predicted to result in premature protein truncation.

NM_004360.5(CDH1):c.807dup (p.Ser270fs)

Gene: CDH1 (cadherin 1; plus strand). Cytogenetic location: 16q22.1.
Variant type: Duplication.
Coding change: c.807dup on transcript NM_004360.5 (MANE Select); coding-DNA position 807, one base duplicated (G; older notation c.807dupG).
Protein change: p.Ser270fs; shifts the reading frame from serine 270.
Molecular consequence: frameshift variant. On other transcripts: 5 prime UTR variant (2).
Genome position (GRCh38, 1-based): chr16:68,810,316, G duplicated; the last of 4 consecutive G bases (chr16:68,810,313-68,810,316); duplicating any one gives the same sequence. VCF-style (leftmost placement, unchanged base first): chr16-68810312-A-AG. GRCh37 (hg19) VCF-style: chr16-68844215-A-AG.
Other names: c.807dup, p.Ser270fs (NM_001317184.2); c.-809dup (NM_001317185.2); c.-1013dup (NM_001317186.2); short protein forms S270fs.
Identifiers: ClinVar variation 2583697 (VCV002583697.2), dbSNP rs2543919299, ClinGen allele CA2582342553.
Genomic context (GRCh38, chr16:68,810,312, plus strand): 5'-TTTTGATCACGGTAACCGATCAGAATGACAACAAGCCCGAATTCACCCAGGAGGTCTTTA[A>AG]GGGGTCTGTCATGGAAGGTGCTCTTCCAGGTATATCCACTAATGAGAATCTGAATACTCA-3'